The following is an entry in ClinVar:

NM_206933.4(USH2A):c.3220T>C (p.Trp1074Arg)

Genes: USH2A (usherin; minus strand), USH2A-AS1 (USH2A antisense RNA 1; plus strand). Cytogenetic location: 1q41.
Variant type: single nucleotide variant.
Coding change: c.3220T>C on transcript NM_206933.4 (MANE Select); coding-DNA position 3220, T replaced by C.
Protein change: p.Trp1074Arg; replaces tryptophan 1074 with arginine.
Molecular consequence: missense variant.
Genome position (GRCh38, 1-based): chr1:216,207,369, A>G on the plus strand (T>C on the coding strand, the complement: USH2A is on the minus strand). VCF-style: chr1-216207369-A-G. GRCh37 (hg19) VCF-style: chr1-216380711-A-G.
Other names: c.3220T>C, p.Trp1074Arg (NM_007123.6); short protein forms W1074R.
Identifiers: ClinVar variation 837118 (VCV000837118.10), dbSNP rs1344390541, ClinGen allele CA344862522.
Genomic context (GRCh38, chr1:216,207,369, plus strand): 5'-AACCATCCCTGAGTAAACTGTAAGTAAGCCAGTGGGCATTTGGAGAATCAGGTGGACTCC[A>G]GGAGAGATTGATAGCAGAAGAACTTTGAACTTGTCCTCTGGGCGGAGGTTGCTGGAATGG-3'
Protein context (NP_996816.3, residues 1064-1084): VQSSSAINLS[Trp1074Arg]SPPDSPNAHW

ClinVar aggregate classification (germline): Pathogenic/Likely pathogenic. Review status: criteria provided, multiple submitters, no conflicts (2 of 4 stars). 2 submissions from 2 submitters: Pathogenic (1); Likely pathogenic (1). Last evaluated 2023-03-23.

Conditions:
USH2A-related disorder. Also called: USH2A-related disorders; USH2A-related condition. Identifiers: MedGen CN239332.

Allele frequency attached by ClinVar (database versions not stated): gnomAD exomes below 0.00001.
gnomAD v4.1: 1 of 1,614,088 alleles (0.000062%); highest among the groups gnomAD compares: African/African-American, 0.0013%; no homozygotes.

Submissions (2):

Labcorp Genetics (formerly Invitae), Labcorp
Classification: Pathogenic. Last evaluated: 2023-03-23. Review status: criteria provided, single submitter. Criteria: Invitae Variant Classification Sherloc (09022015). Collection method: clinical testing. Allele origin: germline.
Comment: This variant is present in population databases (no rsID available, gnomAD 0.007%). This sequence change replaces tryptophan, which is neutral and slightly polar, with arginine, which is basic and polar, at codon 1074 of the USH2A protein (p.Trp1074Arg). For these reasons, this variant has been classified as Pathogenic. Advanced modeling of protein sequence and biophysical properties (such as structural, functional, and spatial information, amino acid conservation, physicochemical variation, residue mobility, and thermodynamic stability) performed at Invitae indicates that this missense variant is expected to disrupt USH2A protein function. ClinVar contains an entry for this variant (Variation ID: 837118). This missense change has been observed in individual(s) with Usher syndrome (PMID: 24944099). In at least one individual the data is consistent with being in trans (on the opposite chromosome) from a pathogenic variant.

Blueprint Genetics
Classification: Likely pathogenic for USH2A-related disorders. Last evaluated: 2022-04-28. Review status: criteria provided, single submitter. Criteria: ACMG Guidelines, 2015. Collection method: clinical testing. Allele origin: germline. Affected: yes. Observed: 1 variant allele.

Literature cited by the submitters: PubMed 24944099 (cited by Labcorp Genetics (formerly Invitae), Labcorp).